The following is an entry in ClinVar:

NM_000334.4(SCN4A):c.4514C>T (p.Ala1505Val)

Genes: GH-LCR (growth hormone locus control region; plus strand), SCN4A (sodium voltage-gated channel alpha subunit 4; minus strand). Cytogenetic location: 17q23.3.
Variant type: single nucleotide variant.
Coding change: c.4514C>T on transcript NM_000334.4 (MANE Select); coding-DNA position 4514, C replaced by T.
Protein change: p.Ala1505Val; replaces alanine 1505 with valine.
Molecular consequence: missense variant.
Genome position (GRCh38, 1-based): chr17:63,941,768, G>A on the plus strand (C>T on the coding strand, the complement: SCN4A is on the minus strand). VCF-style: chr17-63941768-G-A. GRCh37 (hg19) VCF-style: chr17-62019128-G-A.
Other names: short protein forms A1505V.
Identifiers: ClinVar variation 4808697 (VCV004808697.1).

ClinVar aggregate classification (germline): Uncertain significance (1 of 4 stars; one submission).

Conditions:
Hyperkalemic periodic paralysis. Also called: Familial hyperkalemic periodic paralysis; Gamstorp disease. Identifiers: Orphanet 682, MedGen C0238357, MONDO:0008224, OMIM 170500, HP:0007215.

gnomAD v4.1: 2 of 1,614,158 alleles (0.00012%); highest among the groups gnomAD compares: Non-Finnish European, 0.00017%; no homozygotes.

Submission:

Labcorp Genetics (formerly Invitae), Labcorp
Classification: Uncertain significance for Hyperkalemic periodic paralysis. Last evaluated: 2026-01-22. Review status: criteria provided, single submitter. Criteria: Invitae Variant Classification Sherloc (09022015). Collection method: clinical testing. Allele origin: germline.
Comment: This sequence change replaces alanine, which is neutral and non-polar, with valine, which is neutral and non-polar, at codon 1505 of the SCN4A protein (p.Ala1505Val). This variant is not present in population databases (gnomAD no frequency). This variant has not been reported in the literature in individuals affected with SCN4A-related conditions. Invitae Evidence Modeling of protein sequence and biophysical properties (such as structural, functional, and spatial information, amino acid conservation, physicochemical variation, residue mobility, and thermodynamic stability) indicates that this missense variant is expected to disrupt SCN4A protein function with a positive predictive value of 95%. In summary, the available evidence is currently insufficient to determine the role of this variant in disease. Therefore, it has been classified as a Variant of Uncertain Significance.